The following is an entry in ClinVar:

ClinVar aggregate classification (germline): Benign/Likely benign. Review status: criteria provided, multiple submitters, no conflicts (2 of 4 stars). 3 submissions from 3 submitters: Benign (1); Likely benign (2). Last evaluated 2026-01-19.

Allele frequency attached by ClinVar (database versions not stated): ExAC 0.00058; 1000 Genomes Project 30x 0.00187; gnomAD 0.00196 and 0.00212; 1000 Genomes Project 0.00200; TOPMed 0.00201; ESP Exome Variant Server 0.00210.
gnomAD v4.1: 608 of 1,613,808 alleles (0.038%); highest among the groups gnomAD compares: African/African-American, 0.74%; 3 homozygotes.

Submissions (3):

Labcorp Genetics (formerly Invitae), Labcorp
Classification: Benign. Last evaluated: 2026-01-19. Review status: criteria provided, single submitter. Criteria: Invitae Variant Classification Sherloc (09022015). Collection method: clinical testing. Allele origin: germline.

CeGaT Center for Human Genetics Tuebingen
Classification: Likely benign. Last evaluated: 2024-11-01. Review status: criteria provided, single submitter. Criteria: CeGaT Center For Human Genetics Tuebingen Variant Classification Criteria Version 2. Collection method: clinical testing. Allele origin: germline. Affected: yes. Observed: 2 variant alleles.
Comment: AP2M1: BP4, BP7

Blueprint Genetics
Classification: Likely benign. Last evaluated: 2024-07-10. Review status: criteria provided, single submitter. Criteria: ACMG Guidelines, 2015. Collection method: clinical testing. Allele origin: germline.

NM_004068.4(AP2M1):c.42G>C (p.Val14=)

Genes: AP2M1 (adaptor related protein complex 2 subunit mu 1; plus strand), LOC123453202 (Sharpr-MPRA regulatory region 464; plus strand). Cytogenetic location: 3q27.1.
Variant type: single nucleotide variant.
Coding change: c.42G>C on transcript NM_004068.4 (MANE Select); coding-DNA position 42, G replaced by C.
Protein change: p.Val14=; no amino-acid change (valine 14 retained).
Molecular consequence: synonymous variant.
Genome position (GRCh38, 1-based): chr3:184,177,035, G>C. VCF-style: chr3-184177035-G-C. GRCh37 (hg19) VCF-style: chr3-183894823-G-C.
Other names: c.42G>C, p.Val14= (NM_001025205.2, NM_001311198.2).
Identifiers: ClinVar variation 1531323 (VCV001531323.33), dbSNP rs2231214, ClinGen allele CA2727614.